The following is an entry in ClinVar:

NC_000017.10:g.(?_78193958)_(78194112_?)del

Gene: SGSH (N-sulfoglucosamine sulfohydrolase; minus strand). Cytogenetic location: 17q25.3.
Variant type: Deletion.
Identifiers: ClinVar variation 3242929 (VCV003242929.1).

ClinVar aggregate classification (germline): Pathogenic (1 of 4 stars; one submission).

Conditions:
Mucopolysaccharidosis, MPS-III-A (MPS3A). Also called: HEPARAN SULFATE SULFATASE DEFICIENCY; SANFILIPPO SYNDROME A; SULFAMIDASE DEFICIENCY; MPS III A; Mucopolysaccharidosis, type IIIA; mucopolysaccharidosis type 3A. Identifiers: Orphanet 581, Orphanet 79269, MedGen C0086647, MONDO:0009655, OMIM 252900.

Submission:

Labcorp Genetics (formerly Invitae), Labcorp
Classification: Pathogenic for Mucopolysaccharidosis, MPS-III-A. Last evaluated: 2023-03-24. Review status: criteria provided, single submitter. Criteria: Invitae Variant Classification Sherloc (09022015). Collection method: clinical testing. Allele origin: unknown.
Comment: For these reasons, this variant has been classified as Pathogenic. This variant has not been reported in the literature in individuals affected with SGSH-related conditions. This variant is a gross deletion of the genomic region encompassing exon(s) 1 of the SGSH gene, which includes the initiator codon. This deletion extends beyond the assayed region for this gene and therefore may encompass additional genes. It is expected to result in an absent or disrupted protein product. Loss-of-function variants in SGSH are known to be pathogenic (PMID: 11182930, 21204211, 22976768).

Literature cited by the submitters: PubMed 11182930; PubMed 21204211; PubMed 22976768.